The following is an entry in ClinVar:

ClinVar aggregate classification (germline): Pathogenic. Review status: criteria provided, multiple submitters, no conflicts (2 of 4 stars). 2 submissions from 2 submitters: Pathogenic (2). Last evaluated 2023-11-15.

Conditions:
Osteogenesis imperfecta type I (OI1). Also called: OI, TYPE I; OSTEOGENESIS IMPERFECTA TARDA; OSTEOGENESIS IMPERFECTA WITH BLUE SCLERAE; Classic Non-deforming Osteogenesis Imperfecta with Blue Sclerae; Osteogenesis imperfecta type 1; Lobstein's Disease. Identifiers: Orphanet 216796, Orphanet 666, MedGen C0023931, MONDO:0008146, OMIM 166200. Disease mechanism: loss of function.
Ehlers-Danlos syndrome, classic type, 1 (EDSCL1). Also called: EHLERS-DANLOS SYNDROME, GRAVIS TYPE; EHLERS-DANLOS SYNDROME, SEVERE CLASSIC TYPE; Ehlers-Danlos syndrome, type 1; Ehlers-Danlos Syndrome, Classic Type, COL5A1-Related; EDS I. Identifiers: MedGen C0268335, MONDO:0019567, OMIM 130000.

Submissions (2):

Labcorp Genetics (formerly Invitae), Labcorp
Classification: Pathogenic for Osteogenesis imperfecta type I; Ehlers-Danlos syndrome, classic type, 1. Last evaluated: 2023-11-15. Review status: criteria provided, single submitter. Criteria: Invitae Variant Classification Sherloc (09022015). Collection method: clinical testing. Allele origin: germline.
Comment: This sequence change affects codon 264 of the COL1A2 mRNA. It is a 'silent' change, meaning that it does not change the encoded amino acid sequence of the COL1A2 protein. It is expected to disrupt RNA splicing. Variants that disrupt the donor or acceptor splice site typically lead to a loss of protein function (PMID: 16199547), and loss-of-function variants in COL1A2 are known to be disease-causing for autosomal recessive COL1A2-related conditions (PMID: 15077201, 11288717). However, certain variants affecting donor or acceptor splice sites in the triple helical domain of COL1A2 are expected to result in in-frame exon skipping and have been reported to cause autosomal dominant COL1A2-related conditions (PMID: 17078022, 9295084). This variant is not present in population databases (gnomAD no frequency). This variant has been observed in individual(s) with autosomal dominant osteogenesis imperfecta (PMID: 31737030). ClinVar contains an entry for this variant (Variation ID: 1200401). Variants that disrupt the consensus splice site are a relatively common cause of aberrant splicing (PMID: 17576681, 9536098). Studies have shown that this variant results in skipping of exon 16, but is expected to preserve the integrity of the reading-frame (PMID: 31737030). This variant disrupts the triple helix domain of COL1A2. Glycine residues within the Gly-Xaa-Yaa repeats of the triple helix domain are required for the structure and stability of fibrillar collagens (PMID: 7695699, 8218237, 19344236). In COL1A2, variants affecting these glycine residues are significantly enriched in individuals with disease (PMID: 9016532, 17078022) compared to the general population (ExAC). For these reasons, this variant has been classified as Pathogenic.

GeneDx
Classification: Pathogenic. Last evaluated: 2023-10-27. Review status: criteria provided, single submitter. Criteria: GeneDx Variant Classification Process June 2021. Collection method: clinical testing. Allele origin: germline. Affected: yes.
Comment: Not observed in large population cohorts (gnomAD); In silico analysis supports a deleterious effect on splicing; This variant is associated with the following publications: (PMID: 31737030)

Literature cited by the submitters: PubMed 16199547 (cited by Labcorp Genetics (formerly Invitae), Labcorp); PubMed 15077201 (cited by Labcorp Genetics (formerly Invitae), Labcorp); PubMed 11288717 (cited by Labcorp Genetics (formerly Invitae), Labcorp); PubMed 17078022 (cited by Labcorp Genetics (formerly Invitae), Labcorp); PubMed 9295084 (cited by Labcorp Genetics (formerly Invitae), Labcorp); PubMed 31737030 (cited by Labcorp Genetics (formerly Invitae), Labcorp); PubMed 17576681 (cited by Labcorp Genetics (formerly Invitae), Labcorp); PubMed 9536098 (cited by Labcorp Genetics (formerly Invitae), Labcorp); PubMed 7695699 (cited by Labcorp Genetics (formerly Invitae), Labcorp); PubMed 8218237 (cited by Labcorp Genetics (formerly Invitae), Labcorp); PubMed 19344236 (cited by Labcorp Genetics (formerly Invitae), Labcorp); PubMed 9016532 (cited by Labcorp Genetics (formerly Invitae), Labcorp).

NM_000089.4(COL1A2):c.792G>A (p.Lys264=)

Gene: COL1A2 (collagen type I alpha 2 chain; plus strand). Cytogenetic location: 7q21.3.
Variant type: single nucleotide variant.
Coding change: c.792G>A on transcript NM_000089.4 (MANE Select); coding-DNA position 792, G replaced by A.
Protein change: p.Lys264=; no amino-acid change (lysine 264 retained).
Molecular consequence: synonymous variant.
Genome position (GRCh38, 1-based): chr7:94,408,823, G>A. VCF-style: chr7-94408823-G-A. GRCh37 (hg19) VCF-style: chr7-94038135-G-A.
Identifiers: ClinVar variation 1200401 (VCV001200401.7), dbSNP rs2115890442, ClinGen allele CA456488237.